The following is an entry in ClinVar:

NM_000038.6(APC):c.-19+45G>A

Gene: APC (APC regulator of Wnt signaling pathway; plus strand). Cytogenetic location: 5q22.2.
Variant type: single nucleotide variant.
Coding change: c.-19+45G>A on transcript NM_000038.6 (MANE Select); 45 bases into the intron after 19 bases upstream of the start codon, G replaced by A.
Molecular consequence: intron variant.
Genome position (GRCh38, 1-based): chr5:112,737,970, G>A. VCF-style: chr5-112737970-G-A. GRCh37 (hg19) VCF-style: chr5-112073667-G-A.
Other names: c.-18-16903G>A (NM_001354895.2); c.166-28356G>A (NM_001354897.2, NM_001354902.2, NM_001127511.3); c.-127+45G>A (NM_001127510.3); c.-49+45G>A (NM_001354898.2, NM_001354904.2); c.-1054+45G>A (NM_001354906.2); c.-19+45G>A (NM_001354896.2, NM_001354903.2, NM_001354899.2); c.-43+45G>A (NM_001354900.2, NM_001354901.2, NM_001354905.2).
Identifiers: ClinVar variation 670292 (VCV000670292.2), dbSNP rs370011472, ClinGen allele CA124951993.

ClinVar aggregate classification (germline): Likely benign. Review status: criteria provided, multiple submitters, no conflicts (2 of 4 stars). 2 submissions from 2 submitters: Likely benign (2). Last evaluated 2019-05-28.

Conditions:
Familial adenomatous polyposis 1 (FAP1). Also called: FAMILIAL ADENOMATOUS POLYPOSIS 1, ATTENUATED; POLYPOSIS, ADENOMATOUS INTESTINAL. Identifiers: MedGen C2713442, MONDO:0021056, OMIM 175100. Disease mechanism: loss of function.

Allele frequency attached by ClinVar (database versions not stated): gnomAD exomes 0.00035; 1000 Genomes Project 0.00300; 1000 Genomes Project 30x 0.00328; gnomAD 0.00513 and 0.00550; TOPMed 0.00541.
gnomAD v4.1: 1,083 of 978,334 alleles (0.11%); highest among the groups gnomAD compares: African/African-American, 1.8%; 16 homozygotes.

Submissions (2):

Mendelics
Classification: Likely benign for Familial adenomatous polyposis 1. Last evaluated: 2019-05-28. Review status: criteria provided, single submitter. Criteria: Mendelics Assertion Criteria 2017. Collection method: clinical testing. Allele origin: unknown.

GeneDx
Classification: Likely benign. Last evaluated: 2018-06-12. Review status: criteria provided, single submitter. Criteria: GeneDx Variant Classification (06012015). Collection method: clinical testing. Allele origin: germline. Affected: yes.
Comment: This variant is considered likely benign or benign based on one or more of the following criteria: it is a conservative change, it occurs at a poorly conserved position in the protein, it is predicted to be benign by multiple in silico algorithms, and/or has population frequency not consistent with disease.